The following is an entry in ClinVar:

NM_006421.5(ARFGEF1):c.2390T>G (p.Ile797Ser)

Gene: ARFGEF1 (ARF guanine nucleotide exchange factor 1; minus strand). Cytogenetic location: 8q13.2.
Variant type: single nucleotide variant.
Coding change: c.2390T>G on transcript NM_006421.5 (MANE Select); coding-DNA position 2390, T replaced by G.
Protein change: p.Ile797Ser; replaces isoleucine 797 with serine.
Molecular consequence: missense variant. On other transcripts: non-coding transcript variant (1).
Genome position (GRCh38, 1-based): chr8:67,258,136, A>C on the plus strand (T>G on the coding strand, the complement: ARFGEF1 is on the minus strand). VCF-style: chr8-67258136-A-C. GRCh37 (hg19) VCF-style: chr8-68170371-A-C.
Other names: c.2390T>G, p.Ile797Ser (NM_001413184.1, NM_001413185.1, NM_001413186.1 and 7 more transcripts); c.1790T>G, p.Ile597Ser (NM_001413188.1, NM_001413193.1, NM_001413197.1); c.965T>G, p.Ile322Ser (NM_001413196.1); short protein forms I322S, I597S, I797S.
Identifiers: ClinVar variation 4293822 (VCV004293822.1).

ClinVar aggregate classification (germline): Uncertain significance (1 of 4 stars; one submission).

Conditions:
Developmental delay, impaired speech, and behavioral abnormalities, with or without seizures (DEDISB). Identifiers: MedGen C5575272, MONDO:0859263, OMIM 619964.

Submission:

3billion
Classification: Uncertain significance for Developmental delay, impaired speech, and behavioral abnormalities, with or without seizures. Last evaluated: 2024-09-24. Review status: criteria provided, single submitter. Criteria: ACMG Guidelines, 2015. Collection method: clinical testing. Allele origin: germline. Affected: yes.
Comment: The variant is not observed in the gnomAD v4.0.0 dataset. Predicted Consequence/Location: Missense variant In silico tool predictions suggest damaging effect of the variant on gene or gene product [REVEL: 0.73 (>=0.6, sensitivity 0.68 and specificity 0.92); 3Cnet: 0.85 (>=0.6, sensitivity 0.72 and precision 0.9)]. Therefore, this variant is classified as VUS according to the recommendation of ACMG/AMP guideline.